The following is an entry in ClinVar:

NM_025132.4(WDR19):c.2506A>C (p.Lys836Gln)

Gene: WDR19 (WD repeat domain 19; plus strand). Cytogenetic location: 4p14.
Variant type: single nucleotide variant.
Coding change: c.2506A>C on transcript NM_025132.4 (MANE Select); coding-DNA position 2506, A replaced by C.
Protein change: p.Lys836Gln; replaces lysine 836 with glutamine.
Molecular consequence: missense variant.
Genome position (GRCh38, 1-based): chr4:39,244,332, A>C. VCF-style: chr4-39244332-A-C. GRCh37 (hg19) VCF-style: chr4-39245952-A-C.
Other names: c.2026A>C, p.Lys676Gln (NM_001317924.2); short protein forms K676Q, K836Q.
Identifiers: ClinVar variation 3750839 (VCV003750839.2).

ClinVar aggregate classification (germline): Uncertain significance (1 of 4 stars; one submission).

Conditions:
Senior-Loken syndrome 8 (SLSN8). Identifiers: Orphanet 3156, MedGen C4225376, MONDO:0014579, OMIM 616307.
Asphyxiating thoracic dystrophy 5 (SRTD5). Also called: SHORT-RIB THORACIC DYSPLASIA 5 WITH OR WITHOUT POLYDACTYLY; SHORT-RIB THORACIC DYSPLASIA 5 WITHOUT POLYDACTYLY. Identifiers: Orphanet 474, MedGen C3280598, MONDO:0013717, OMIM 614376.

gnomAD v4.1: 4 of 1,613,900 alleles (0.00025%); highest among the groups gnomAD compares: Non-Finnish European, 0.00034%; no homozygotes.

Submission:

Labcorp Genetics (formerly Invitae), Labcorp
Classification: Uncertain significance for Senior-Loken syndrome 8; Asphyxiating thoracic dystrophy 5. Last evaluated: 2024-07-03. Review status: criteria provided, single submitter. Criteria: Invitae Variant Classification Sherloc (09022015). Collection method: clinical testing. Allele origin: germline.
Comment: This sequence change replaces lysine, which is basic and polar, with glutamine, which is neutral and polar, at codon 836 of the WDR19 protein (p.Lys836Gln). This variant is present in population databases (rs371545746, gnomAD 0.002%). This variant has not been reported in the literature in individuals affected with WDR19-related conditions. Advanced modeling of protein sequence and biophysical properties (such as structural, functional, and spatial information, amino acid conservation, physicochemical variation, residue mobility, and thermodynamic stability) performed at Invitae indicates that this missense variant is not expected to disrupt WDR19 protein function with a negative predictive value of 80%. In summary, the available evidence is currently insufficient to determine the role of this variant in disease. Therefore, it has been classified as a Variant of Uncertain Significance.